The following is an entry in ClinVar:

NM_199420.4(POLQ):c.6846-56T>C

Gene: POLQ (DNA polymerase theta; minus strand). Cytogenetic location: 3q13.33.
Variant type: single nucleotide variant.
Coding change: c.6846-56T>C on transcript NM_199420.4 (MANE Select); 56 bases into the intron before coding-DNA position 6846, T replaced by C.
Molecular consequence: intron variant.
Genome position (GRCh38, 1-based): chr3:121,467,696, A>G on the plus strand (T>C on the coding strand, the complement: POLQ is on the minus strand). VCF-style: chr3-121467696-A-G. GRCh37 (hg19) VCF-style: chr3-121186543-A-G.
Identifiers: ClinVar variation 4888230 (VCV004888230.1), dbSNP rs1381058.

ClinVar aggregate classification (germline): Benign (1 of 4 stars; one submission).

Conditions:
Familial cancer of breast. Also called: BREAST CANCER, FAMILIAL; Hereditary breast cancer; hereditary breast carcinoma. Identifiers: Orphanet 227535, MedGen C0346153, MONDO:0016419, OMIM 114480. Disease mechanism: loss of function.

gnomAD v4.1: 1,014,358 of 1,558,544 alleles (65%); highest among the groups gnomAD compares: East Asian, 89%; 333,950 homozygotes.

Submission:

Genomic Medicine Laboratory, Hospital de Clinicas de Porto Alegre
Classification: Benign for Familial cancer of breast. Last evaluated: 2026-08-07. Review status: criteria provided, single submitter. Criteria: ACGS UK Practice Guidelines For Variant Classification V12 2024. Collection method: research. Allele origin: germline. Affected: yes. Observed: 25 variant alleles.
Comment: BA1: Allele frequency is above 5%